The following is an entry in ClinVar:

ClinVar aggregate classification (germline): Uncertain significance. Review status: criteria provided, multiple submitters, no conflicts (2 of 4 stars). 2 submissions from 2 submitters: Uncertain significance (2). Last evaluated 2025-08-08.

Conditions:
Inborn genetic diseases. Identifiers: MedGen C0950123, MeSH D030342.

gnomAD v4.1: 5 of 1,209,186 alleles (0.00041%); highest among the groups gnomAD compares: African/African-American, 0.0052%; no homozygotes.

Submissions (2):

Ambry Genetics
Classification: Uncertain significance for Inborn genetic diseases. Last evaluated: 2025-08-08. Review status: criteria provided, single submitter. Criteria: Ambry Variant Classification Scheme 2023. Collection method: clinical testing. Allele origin: germline.

Labcorp Genetics (formerly Invitae), Labcorp
Classification: Uncertain significance. Last evaluated: 2024-05-11. Review status: criteria provided, single submitter. Criteria: Invitae Variant Classification Sherloc (09022015). Collection method: clinical testing. Allele origin: germline.
Comment: This sequence change replaces proline, which is neutral and non-polar, with serine, which is neutral and polar, at codon 272 of the MSN protein (p.Pro272Ser). This variant is present in population databases (no rsID available, gnomAD 0.02%), including at least one homozygous and/or hemizygous individual. This variant has not been reported in the literature in individuals affected with MSN-related conditions. An algorithm developed to predict the effect of missense changes on protein structure and function (PolyPhen-2) suggests that this variant is likely to be tolerated. In summary, the available evidence is currently insufficient to determine the role of this variant in disease. Therefore, it has been classified as a Variant of Uncertain Significance.

NM_002444.3(MSN):c.814C>T (p.Pro272Ser)

Gene: MSN (moesin; plus strand). Cytogenetic location: Xq12.
Variant type: single nucleotide variant.
Coding change: c.814C>T on transcript NM_002444.3 (MANE Select); coding-DNA position 814, C replaced by T.
Protein change: p.Pro272Ser; replaces proline 272 with serine.
Molecular consequence: missense variant.
Genome position (GRCh38, 1-based): chrX:65,735,285, C>T. VCF-style: chrX-65735285-C-T. GRCh37 (hg19) VCF-style: chrX-64955147-C-T.
Other names: c.814C>T (NM_002444.2); short protein forms P272S.
Identifiers: ClinVar variation 3680206 (VCV003680206.3).